The following is an entry in ClinVar:

NM_000264.5(PTCH1):c.3256C>A (p.Leu1086Met)

Gene: PTCH1 (patched 1; minus strand). Cytogenetic location: 9q22.32.
Variant type: single nucleotide variant.
Coding change: c.3256C>A on transcript NM_000264.5 (MANE Select); coding-DNA position 3256, C replaced by A.
Protein change: p.Leu1086Met; replaces leucine 1086 with methionine.
Molecular consequence: missense variant. On other transcripts: non-coding transcript variant (1).
Genome position (GRCh38, 1-based): chr9:95,456,326, G>T on the plus strand (C>A on the coding strand, the complement: PTCH1 is on the minus strand). VCF-style: chr9-95456326-G-T. GRCh37 (hg19) VCF-style: chr9-98218608-G-T.
Other names: c.3058C>A, p.Leu1020Met (NM_001083602.3); c.3253C>A, p.Leu1085Met (NM_001083603.3); c.2803C>A, p.Leu935Met (NM_001083604.3, NM_001083605.3, NM_001083606.3 and 1 more transcripts); c.3100C>A, p.Leu1034Met (NM_001354918.2); short protein forms L1020M, L935M, L1034M, L1086M, L1085M.
Identifiers: ClinVar variation 2982810 (VCV002982810.3), dbSNP rs777291938, ClinGen allele CA374112054.
Genomic context (GRCh38, chr9:95,456,326, plus strand): 5'-TCTCCCATACCAAAGCAACGTGAACGGTGAACTCCACTCCTATGCCAACAGAAGCGATCA[G>T]GATGACCACGGGCACGGCACTGAGCTTGATTCCGATGAGGCCCATCATGCCGAACAGCTC-3'
Protein context (NP_000255.2, residues 1076-1096): IKLSAVPVVI[Leu1086Met]IASVGIGVEF

ClinVar aggregate classification (germline): Uncertain significance (1 of 4 stars; one submission).

Conditions:
Gorlin syndrome. Also called: Nevoid Basal Cell Carcinoma Syndrome; Basal cell nevus syndrome. Identifiers: Orphanet 377, MedGen C0004779, MONDO:0007187.

Submission:

Labcorp Genetics (formerly Invitae), Labcorp
Classification: Uncertain significance for Gorlin syndrome. Last evaluated: 2023-12-17. Review status: criteria provided, single submitter. Criteria: Invitae Variant Classification Sherloc (09022015). Collection method: clinical testing. Allele origin: germline.
Comment: This sequence change replaces leucine, which is neutral and non-polar, with methionine, which is neutral and non-polar, at codon 1086 of the PTCH1 protein (p.Leu1086Met). This variant is not present in population databases (gnomAD no frequency). This variant has not been reported in the literature in individuals affected with PTCH1-related conditions. Advanced modeling of protein sequence and biophysical properties (such as structural, functional, and spatial information, amino acid conservation, physicochemical variation, residue mobility, and thermodynamic stability) performed at Invitae indicates that this missense variant is not expected to disrupt PTCH1 protein function with a negative predictive value of 95%. In summary, the available evidence is currently insufficient to determine the role of this variant in disease. Therefore, it has been classified as a Variant of Uncertain Significance.